The following is an entry in ClinVar:

ClinVar aggregate classification (germline): Uncertain significance (1 of 4 stars; one submission).

Conditions:
NRP1-related disorder. Also called: NRP1-related condition.

gnomAD v4.1: 4 of 1,613,746 alleles (0.00025%); highest among the groups gnomAD compares: African/African-American, 0.0053%; no homozygotes.

Submission:

PreventionGenetics, part of Exact Sciences
Classification: Uncertain significance for NRP1-related condition. Last evaluated: 2025-09-03. Review status: criteria provided, single submitter. Criteria: ACMG Guidelines, 2015. Collection method: clinical testing. Allele origin: germline.
Comment: The NRP1 c.2407C>T variant is predicted to result in the amino acid substitution p.His803Tyr. To our knowledge, this variant has not been reported in the literature. This variant is reported in 0.012% of alleles in individuals of African descent in gnomAD. At this time, the clinical significance of this variant is uncertain due to the absence of conclusive functional and genetic evidence.

NM_003873.7(NRP1):c.2407C>T (p.His803Tyr)

Gene: NRP1 (neuropilin 1; minus strand). Cytogenetic location: 10p11.22.
Variant type: single nucleotide variant.
Coding change: c.2407C>T on transcript NM_003873.7 (MANE Select); coding-DNA position 2407, C replaced by T.
Protein change: p.His803Tyr; replaces histidine 803 with tyrosine.
Molecular consequence: missense variant. On other transcripts: non-coding transcript variant (1).
Genome position (GRCh38, 1-based): chr10:33,185,652, G>A on the plus strand (C>T on the coding strand, the complement: NRP1 is on the minus strand). VCF-style: chr10-33185652-G-A. GRCh37 (hg19) VCF-style: chr10-33474580-G-A.
Other names: c.2389C>T, p.His797Tyr (NM_001244972.2); c.2386C>T, p.His796Tyr (NM_001244973.2); c.2407C>T, p.His803Tyr (NM_001330068.2); short protein forms H797Y, H803Y, H796Y.
Identifiers: ClinVar variation 4988175 (VCV004988175.1).